The following is an entry in ClinVar:

NM_004130.4(GYG1):c.610T>C (p.Phe204Leu)

Gene: GYG1 (glycogenin 1; plus strand). Cytogenetic location: 3q24.
Variant type: single nucleotide variant.
Coding change: c.610T>C on transcript NM_004130.4 (MANE Select); coding-DNA position 610, T replaced by C.
Protein change: p.Phe204Leu; replaces phenylalanine 204 with leucine.
Molecular consequence: missense variant. On other transcripts: intron variant (1).
Genome position (GRCh38, 1-based): chr3:149,024,054, T>C. VCF-style: chr3-149024054-T-C. GRCh37 (hg19) VCF-style: chr3-148741841-T-C.
Other names: c.610T>C, p.Phe204Leu (NM_001184720.2); c.609-2706T>C (NM_001184721.2); c.610T>C (NM_004130.3); short protein forms F204L.
Identifiers: ClinVar variation 1432737 (VCV001432737.4), dbSNP rs567161281, ClinGen allele CA2658622.

ClinVar aggregate classification (germline): Uncertain significance. Review status: criteria provided, multiple submitters, no conflicts (2 of 4 stars). 2 submissions from 2 submitters: Uncertain significance (2). Last evaluated 2023-02-09.

Conditions:
Polyglucosan body myopathy type 2. Identifiers: Orphanet 456369, MedGen C4015452, MONDO:0014526, OMIM 616199.
Glycogen storage disease XV (GSD15). Also called: GLYCOGENIN DEFICIENCY; GSD XV. Identifiers: Orphanet 263297, MedGen C3150754, MONDO:0013291, OMIM 613507.
Inborn genetic diseases. Identifiers: MedGen C0950123, MeSH D030342.

Allele frequency attached by ClinVar (database versions not stated): ExAC 0.00001; gnomAD exomes 0.00001 and 0.00003; gnomAD 0.00008 and 0.00009; TOPMed 0.00009; 1000 Genomes Project 30x 0.00016; 1000 Genomes Project 0.00020.
gnomAD v4.1: 29 of 1,612,846 alleles (0.0018%); highest among the groups gnomAD compares: Admixed American, 0.023%; no homozygotes.

Submissions (2):

Ambry Genetics
Classification: Uncertain significance for Inborn genetic diseases. Last evaluated: 2023-02-09. Review status: criteria provided, single submitter. Criteria: Ambry Variant Classification Scheme 2023. Collection method: clinical testing. Allele origin: germline.

Labcorp Genetics (formerly Invitae), Labcorp
Classification: Uncertain significance for Polyglucosan body myopathy type 2; Glycogen storage disease XV. Last evaluated: 2022-05-27. Review status: criteria provided, single submitter. Criteria: Invitae Variant Classification Sherloc (09022015). Collection method: clinical testing. Allele origin: germline.
Comment: This sequence change replaces phenylalanine, which is neutral and non-polar, with leucine, which is neutral and non-polar, at codon 204 of the GYG1 protein (p.Phe204Leu). This variant is present in population databases (rs567161281, gnomAD 0.01%). This variant has not been reported in the literature in individuals affected with GYG1-related conditions. Algorithms developed to predict the effect of missense changes on protein structure and function are either unavailable or do not agree on the potential impact of this missense change (SIFT: "Deleterious"; PolyPhen-2: "Benign"; Align-GVGD: "Class C0"). In summary, the available evidence is currently insufficient to determine the role of this variant in disease. Therefore, it has been classified as a Variant of Uncertain Significance.